The following is an entry in ClinVar:

ClinVar aggregate classification (germline): Uncertain significance (1 of 4 stars; one submission).

Conditions:
Familial cancer of breast. Also called: hereditary breast carcinoma; BREAST CANCER, FAMILIAL; Hereditary breast cancer. Identifiers: Orphanet 227535, MedGen C0346153, MONDO:0016419, OMIM 114480. Disease mechanism: loss of function.

Submission:

Labcorp Genetics (formerly Invitae), Labcorp
Classification: Uncertain significance for Familial cancer of breast. Last evaluated: 2022-06-28. Review status: criteria provided, single submitter. Criteria: Invitae Variant Classification Sherloc (09022015). Collection method: clinical testing. Allele origin: germline.
Comment: In summary, the available evidence is currently insufficient to determine the role of this variant in disease. Therefore, it has been classified as a Variant of Uncertain Significance. Algorithms developed to predict the effect of missense changes on protein structure and function output the following: SIFT: "Tolerated"; PolyPhen-2: "Benign"; Align-GVGD: "Class C0". The proline amino acid residue is found in multiple mammalian species, which suggests that this missense change does not adversely affect protein function. This variant has not been reported in the literature in individuals affected with CHEK2-related conditions. This variant is not present in population databases (gnomAD no frequency). This sequence change replaces serine, which is neutral and polar, with proline, which is neutral and non-polar, at codon 31 of the CHEK2 protein (p.Ser31Pro).

NM_007194.4(CHEK2):c.91T>C (p.Ser31Pro)

Gene: CHEK2 (checkpoint kinase 2; minus strand). Cytogenetic location: 22q12.1.
Variant type: single nucleotide variant.
Coding change: c.91T>C on transcript NM_007194.4 (MANE Select); coding-DNA position 91, T replaced by C.
Protein change: p.Ser31Pro; replaces serine 31 with proline.
Molecular consequence: missense variant.
Genome position (GRCh38, 1-based): chr22:28,734,631, A>G on the plus strand (T>C on the coding strand, the complement: CHEK2 is on the minus strand). VCF-style: chr22-28734631-A-G. GRCh37 (hg19) VCF-style: chr22-29130619-A-G.
Other names: c.91T>C, p.Ser31Pro (NM_001005735.3, NM_001349956.3, NM_145862.3); c.-687T>C (NM_001257387.3); short protein forms S31P.
Identifiers: ClinVar variation 2009828 (VCV002009828.4), dbSNP rs2146152562, ClinGen allele CA411091570.
Genomic context (GRCh38, chr22:28,734,631, plus strand): 5'-GGCTGGAGTTTGGCATCGTGCTGGTAGAGGAGCTGGATATGCCCTGGGACTGTGAGGAGG[A>G]GCCTTGGGACTGGGTAACGCTGCCATGGGGCTGTGAACAGGCACTGCTGCCATGAGACTG-3'
Protein context (NP_009125.1, residues 21-41): PHGSVTQSQG[Ser31Pro]SSQSQGISSS